The following is an entry in ClinVar:

NM_000038.6(APC):c.853G>C (p.Asp285His)

Gene: APC (APC regulator of Wnt signaling pathway; plus strand). Cytogenetic location: 5q22.2.
Variant type: single nucleotide variant.
Coding change: c.853G>C on transcript NM_000038.6 (MANE Select); coding-DNA position 853, G replaced by C.
Protein change: p.Asp285His; replaces aspartic acid 285 with histidine.
Molecular consequence: missense variant.
Genome position (GRCh38, 1-based): chr5:112,815,513, G>C. VCF-style: chr5-112815513-G-C. GRCh37 (hg19) VCF-style: chr5-112151210-G-C.
Other names: c.853G>C, p.Asp285His (NM_001127510.3, NM_001354895.2, NM_001354896.2 and 1 more transcripts); c.799G>C, p.Asp267His (NM_001127511.3); c.883G>C, p.Asp295His (NM_001354897.2, NM_001354902.2); c.778G>C, p.Asp260His (NM_001354898.2, NM_001354904.2); c.769G>C, p.Asp257His (NM_001354899.2); c.676G>C, p.Asp226His (NM_001354900.2, NM_001354901.2, NM_001354905.2); c.4G>C, p.Asp2His (NM_001354906.2); short protein forms D267H, D285H, D2H, D226H, D257H, D260H, D295H.
Identifiers: ClinVar variation 418934 (VCV000418934.17), dbSNP rs773525821, ClinGen allele CA16023183.
Genomic context (GRCh38, chr5:112,815,513, plus strand): 5'-TATAGTCTAAATTATACCATCTATAATGTGCTTAATTTTTAGGGTTCAACTACACGAATG[G>C]ACCATGAAACAGCCAGTGTTTTGAGTTCTAGTAGCACACACTCTGCACCTCGAAGGCTGA-3'
Protein context (NP_000029.2, residues 275-295): GNGQGSTTRM[Asp285His]HETASVLSSS

ClinVar aggregate classification (germline): Uncertain significance. Review status: criteria provided, multiple submitters, no conflicts (2 of 4 stars). 3 submissions from 3 submitters: Uncertain significance (3). Last evaluated 2025-11-17.

Conditions:
Hereditary cancer-predisposing syndrome. Also called: Hereditary neoplastic syndrome; Tumor predisposition; Neoplastic Syndromes, Hereditary; Hereditary Cancer Syndrome. Identifiers: Orphanet 140162, MedGen C0027672, MeSH D009386, MONDO:0015356.
Familial adenomatous polyposis 1 (FAP1). Also called: FAMILIAL ADENOMATOUS POLYPOSIS 1, ATTENUATED; POLYPOSIS, ADENOMATOUS INTESTINAL. Identifiers: MedGen C2713442, MONDO:0021056, OMIM 175100. Disease mechanism: loss of function.

Allele frequency attached by ClinVar (database versions not stated): TOPMed below 0.00001; gnomAD 0.00001.
gnomAD v4.1: 2 of 1,611,648 alleles (0.00012%); highest among the groups gnomAD compares: African/African-American, 0.0027%; no homozygotes.

Submissions (3):

Labcorp Genetics (formerly Invitae), Labcorp
Classification: Uncertain significance for Familial adenomatous polyposis 1. Last evaluated: 2025-11-17. Review status: criteria provided, single submitter. Criteria: Invitae Variant Classification Sherloc (09022015). Collection method: clinical testing. Allele origin: germline.
Comment: This sequence change replaces aspartic acid, which is acidic and polar, with histidine, which is basic and polar, at codon 285 of the APC protein (p.Asp285His). This variant is not present in population databases (gnomAD no frequency). This variant has not been reported in the literature in individuals affected with APC-related conditions. ClinVar contains an entry for this variant (Variation ID: 418934). Invitae Evidence Modeling of protein sequence and biophysical properties (such as structural, functional, and spatial information, amino acid conservation, physicochemical variation, residue mobility, and thermodynamic stability) indicates that this missense variant is not expected to disrupt APC protein function with a negative predictive value of 95%. In summary, the available evidence is currently insufficient to determine the role of this variant in disease. Therefore, it has been classified as a Variant of Uncertain Significance.

Ambry Genetics
Classification: Uncertain significance for Hereditary cancer-predisposing syndrome. Last evaluated: 2021-03-18. Review status: criteria provided, single submitter. Criteria: Ambry Variant Classification Scheme 2023. Collection method: clinical testing. Allele origin: germline.
Comment: The p.D285H variant (also known as c.853G>C), located in coding exon 8 of the APC gene, results from a G to C substitution at nucleotide position 853. The aspartic acid at codon 285 is replaced by histidine, an amino acid with similar properties. This amino acid position is well conserved in available vertebrate species. In addition, in silico predictors for this gene do not accurately predict pathogenicity. Since supporting evidence is limited at this time, the clinical significance of this alteration remains unclear.

GeneDx
Classification: Uncertain significance. Last evaluated: 2015-04-27. Review status: criteria provided, single submitter. Criteria: GeneDx Variant Classification (06012015). Collection method: clinical testing. Allele origin: germline. Affected: yes.
Comment: This variant is denoted APC c.853G>C at the cDNA level, p.Asp285His (D285H) at the protein level, and results in the change of an Aspartic Acid to a Histidine (GAC>CAC). This variant has not, to our knowledge, been published in the literature as pathogenic or benign. APC Asp285His was not observed in approximately 6,500 individuals of European and African American ancestry in the NHLBI Exome Sequencing Project, indicating it is not a common benign variant in these populations. Since Aspartic Acid and Histidine differ in polarity, charge, size or other properties, this is considered a non-conservative amino acid substitution. APC Asp285His occurs at a position that is conserved across species and is not located in a known functional domain (Azzopardi 2008, UniProt). In silico analyses predict that this variant is probably damaging to protein structure and function. Based on currently available information, it is unclear whether APC Asp285His is pathogenic or benign. We consider it to be a variant of uncertain significance.